The following is an entry in ClinVar:

NM_020442.6(VARS2):c.671C>T (p.Ala224Val)

Gene: VARS2 (valyl-tRNA synthetase 2, mitochondrial; plus strand). Cytogenetic location: 6p21.33.
Variant type: single nucleotide variant.
Coding change: c.671C>T on transcript NM_020442.6 (MANE Select); coding-DNA position 671, C replaced by T.
Protein change: p.Ala224Val; replaces alanine 224 with valine.
Molecular consequence: missense variant.
Genome position (GRCh38, 1-based): chr6:30,916,249, C>T. VCF-style: chr6-30916249-C-T. GRCh37 (hg19) VCF-style: chr6-30884026-C-T.
Other names: c.251C>T, p.Ala84Val (NM_001167733.3); c.761C>T, p.Ala254Val (NM_001167734.2); short protein forms A224V, A254V, A84V.
Identifiers: ClinVar variation 2579762 (VCV002579762.1), dbSNP rs760026330, ClinGen allele CA3705679.

ClinVar aggregate classification (germline): Uncertain significance (1 of 4 stars; one submission).

Allele frequency attached by ClinVar (database versions not stated): ExAC 0.00001; gnomAD 0.00001; gnomAD exomes 0.00001.
gnomAD v4.1: 16 of 1,610,750 alleles (0.00099%); highest among the groups gnomAD compares: African/African-American, 0.0027%; no homozygotes.

Submission:

GeneDx
Classification: Uncertain significance. Last evaluated: 2023-03-13. Review status: criteria provided, single submitter. Criteria: GeneDx Variant Classification Process June 2021. Collection method: clinical testing. Allele origin: germline. Affected: yes.
Comment: Not observed at significant frequency in large population cohorts (gnomAD); In silico analysis supports that this missense variant does not alter protein structure/function; Has not been previously published as pathogenic or benign to our knowledge; In silico analysis suggests this variant may impact gene splicing. In the absence of RNA/functional studies, the actual effect of this sequence change is unknown.